The following is an entry in ClinVar:

NM_001004334.4(GPR179):c.5310_5330del (p.Ala1771_Gly1777del)

Gene: GPR179 (G protein-coupled receptor 179; minus strand). Cytogenetic location: 17q12.
Variant type: Deletion.
Coding change: c.5310_5330del on transcript NM_001004334.4 (MANE Select); coding-DNA positions 5310 to 5330, 21 bases deleted (GGCCTGTTCTCAGCATCCAGG).
Protein change: p.Ala1771_Gly1777del.
Molecular consequence: inframe deletion.
Genome position (GRCh38, 1-based): chr17:38,328,239-38,328,259, CCTGGATGCTGAGAACAGGCC deleted on the plus strand (GGCCTGTTCTCAGCATCCAGG on the coding strand, the reverse complement: GPR179 is on the minus strand); deleting any 21 consecutive bases within chr17:38,328,239-38,328,265 gives the same sequence; the c. name uses the placement nearest the transcript's 3' end. VCF-style (leftmost placement, unchanged base first): chr17-38328238-ACCTGGATGCTGAGAACAGGCC-A. GRCh37 (hg19) VCF-style: chr17-36484121-ACCTGGATGCTGAGAACAGGCC-A.
Identifiers: ClinVar variation 2135101 (VCV002135101.4), dbSNP rs2512157688, ClinGen allele CA2580093689.

ClinVar aggregate classification (germline): Uncertain significance (1 of 4 stars; one submission).

Submission:

Labcorp Genetics (formerly Invitae), Labcorp
Classification: Uncertain significance. Last evaluated: 2022-05-07. Review status: criteria provided, single submitter. Criteria: Invitae Variant Classification Sherloc (09022015). Collection method: clinical testing. Allele origin: germline.
Comment: In summary, the available evidence is currently insufficient to determine the role of this variant in disease. Therefore, it has been classified as a Variant of Uncertain Significance. Experimental studies and prediction algorithms are not available or were not evaluated, and the functional significance of this variant is currently unknown. This variant has not been reported in the literature in individuals affected with GPR179-related conditions. This variant is not present in population databases (gnomAD no frequency). This variant, c.5310_5330del, results in the deletion of 7 amino acid(s) of the GPR179 protein (p.Ala1771_Gly1777del), but otherwise preserves the integrity of the reading frame.